The following is an entry in ClinVar:

ClinVar aggregate classification (germline): Uncertain significance. Review status: criteria provided, multiple submitters, no conflicts (2 of 4 stars). 2 submissions from 2 submitters: Uncertain significance (2). Last evaluated 2024-12-18.

Conditions:
Hereditary cancer-predisposing syndrome. Also called: Neoplastic Syndromes, Hereditary; Tumor predisposition; Hereditary neoplastic syndrome; Hereditary Cancer Syndrome. Identifiers: Orphanet 140162, MedGen C0027672, MeSH D009386, MONDO:0015356.
Familial adenomatous polyposis 1 (FAP1). Also called: POLYPOSIS, ADENOMATOUS INTESTINAL; FAMILIAL ADENOMATOUS POLYPOSIS 1, ATTENUATED. Identifiers: MedGen C2713442, MONDO:0021056, OMIM 175100. Disease mechanism: loss of function.

Allele frequency attached by ClinVar (database versions not stated): TOPMed 0.00002.
gnomAD v4.1: 2 of 1,613,800 alleles (0.00012%); highest among the groups gnomAD compares: Non-Finnish European, 0.00017%; no homozygotes.

Submissions (2):

Ambry Genetics
Classification: Uncertain significance for Hereditary cancer-predisposing syndrome. Last evaluated: 2024-12-18. Review status: criteria provided, single submitter. Criteria: Ambry Variant Classification Scheme 2023. Collection method: clinical testing. Allele origin: germline.
Comment: The p.N1761K variant (also known as c.5283C>G), located in coding exon 15 of the APC gene, results from a C to G substitution at nucleotide position 5283. The asparagine at codon 1761 is replaced by lysine, an amino acid with similar properties. This amino acid position is not well conserved in available vertebrate species. In addition, in silico predictors for this gene do not accurately predict pathogenicity. Missense alterations in APC are not a common cause of disease (Spier I et al. Genet Med. 2024 Feb;26(2):100992). Based on the available evidence, the clinical significance of this variant remains unclear.

Labcorp Genetics (formerly Invitae), Labcorp
Classification: Uncertain significance for Familial adenomatous polyposis 1. Last evaluated: 2021-02-09. Review status: criteria provided, single submitter. Criteria: Invitae Variant Classification Sherloc (09022015). Collection method: clinical testing. Allele origin: germline.
Comment: This variant is not present in population databases (ExAC no frequency). In summary, the available evidence is currently insufficient to determine the role of this variant in disease. Therefore, it has been classified as a Variant of Uncertain Significance. Algorithms developed to predict the effect of sequence changes on RNA splicing suggest that this variant may create or strengthen a splice site, but this prediction has not been confirmed by published transcriptional studies. Algorithms developed to predict the effect of missense changes on protein structure and function (SIFT, PolyPhen-2, Align-GVGD) all suggest that this variant is likely to be tolerated, but these predictions have not been confirmed by published functional studies and their clinical significance is uncertain. This variant has not been reported in the literature in individuals with APC-related conditions. This sequence change replaces asparagine with lysine at codon 1761 of the APC protein (p.Asn1761Lys). The asparagine residue is moderately conserved and there is a moderate physicochemical difference between asparagine and lysine.

Literature cited by the submitters: PubMed 32957588 (cited by Ambry Genetics).

NM_000038.6(APC):c.5283C>G (p.Asn1761Lys)

Gene: APC (APC regulator of Wnt signaling pathway; plus strand). Cytogenetic location: 5q22.2.
Variant type: single nucleotide variant.
Coding change: c.5283C>G on transcript NM_000038.6 (MANE Select); coding-DNA position 5283, C replaced by G.
Protein change: p.Asn1761Lys; replaces asparagine 1761 with lysine.
Molecular consequence: missense variant.
Genome position (GRCh38, 1-based): chr5:112,840,877, C>G. VCF-style: chr5-112840877-C-G. GRCh37 (hg19) VCF-style: chr5-112176574-C-G.
Other names: c.5283C>G, p.Asn1761Lys (NM_001127510.3, NM_001354895.2); c.5229C>G, p.Asn1743Lys (NM_001127511.3); c.5337C>G, p.Asn1779Lys (NM_001354896.2); c.5313C>G, p.Asn1771Lys (NM_001354897.2); c.5208C>G, p.Asn1736Lys (NM_001354898.2); c.5199C>G, p.Asn1733Lys (NM_001354899.2); c.5160C>G, p.Asn1720Lys (NM_001354900.2); c.5106C>G, p.Asn1702Lys (NM_001354901.2); and 5 more; short protein forms N1478K, N1635K, N1670K, N1720K, N1733K, N1779K, N1702K, N1743K.
Identifiers: ClinVar variation 825615 (VCV000825615.16), dbSNP rs933729249, ClinGen allele CA16032877.